The following is an entry in ClinVar:

NM_024675.4(PALB2):c.2835-1G>T

Gene: PALB2 (partner and localizer of BRCA2; minus strand). Cytogenetic location: 16p12.2.
Variant type: single nucleotide variant.
Coding change: c.2835-1G>T on transcript NM_024675.4 (MANE Select); the canonical splice acceptor site of the intron before coding-DNA position 2835, G replaced by T.
Molecular consequence: splice acceptor variant. On other transcripts: intron variant (1).
Genome position (GRCh38, 1-based): chr16:23,623,131, C>A on the plus strand (G>T on the coding strand, the complement: PALB2 is on the minus strand). VCF-style: chr16-23623131-C-A. GRCh37 (hg19) VCF-style: chr16-23634452-C-A.
Other names: c.1950-1G>T (NM_001407308.1, NM_001407306.1, NM_001407309.1 and 4 more transcripts); c.369-1G>T (NM_001407314.1); c.1047-1G>T (NM_001407313.1, NM_001407312.1); c.2775-1G>T (NM_001407296.1); c.2763-1G>T (NM_001407297.1); c.2673-1G>T (NM_001407302.1, NM_001407298.1); c.2834+878G>T (NM_001407300.1); c.2835-1G>T (NM_001407299.1, NM_001407301.1); and 1 more.
Identifiers: ClinVar variation 2574091 (VCV002574091.1), dbSNP rs515726099, ClinGen allele CA395144549.
Genomic context (GRCh38, chr16:23,623,131, plus strand): 5'-TTTCCAGACTTCAGTAGTACTTGCTTTTCACTTTCATCATCAGAGGAACAAAACAATGCC[C>A]TAAGCCAAATATAAGGAAAAATGGGGTGATGTGAGGAGTAACCTTTTAATATTAAAGGAC-3'

ClinVar aggregate classification (germline): Likely pathogenic (0 of 4 stars; one submission).

Conditions:
Familial cancer of breast. Also called: hereditary breast carcinoma; Hereditary breast cancer; BREAST CANCER, FAMILIAL. Identifiers: Orphanet 227535, MedGen C0346153, MONDO:0016419, OMIM 114480. Disease mechanism: loss of function.

Submission:

deCODE genetics, Amgen
Classification: Likely pathogenic for Familial cancer of breast. Last evaluated: 2023-07-21. Review status: no assertion criteria provided. Collection method: research. Allele origin: germline. Affected: yes. Observed: 1 variant allele.
Comment: The variant NM_024675.4:c.2835-1G>T (chr16:23623131) in PALB2 was detected in 1 heterozygote out of 58K WGS Icelanders (MAF= 0,001%). This variant has not been reported in ClinVar previously. Based on ACMG criteria (PVS1, PM2) this variant classifies as likely pathogenic.